The following is an entry in ClinVar:

ClinVar aggregate classification (germline): Uncertain significance (1 of 4 stars; one submission).

gnomAD v4.1: 49 of 1,614,202 alleles (0.003%); highest among the groups gnomAD compares: East Asian, 0.1%; no homozygotes.

Submission:

GeneDx
Classification: Uncertain significance. Last evaluated: 2026-03-09. Review status: criteria provided, single submitter. Criteria: GeneDx Variant Classification Process June 2021. Collection method: clinical testing. Allele origin: germline.
Comment: In silico analysis supports that this missense variant has a deleterious effect on protein structure/function; Has not been previously published as pathogenic or benign to our knowledge

NM_001024383.2(NAV3):c.1312A>T (p.Ser438Cys)

Gene: NAV3 (neuron navigator 3; plus strand). Cytogenetic location: 12q21.2.
Variant type: single nucleotide variant.
Coding change: c.1312A>T on transcript NM_001024383.2 (MANE Select); coding-DNA position 1312, A replaced by T.
Protein change: p.Ser438Cys; replaces serine 438 with cysteine.
Molecular consequence: missense variant.
Genome position (GRCh38, 1-based): chr12:78,006,850, A>T. VCF-style: chr12-78006850-A-T. GRCh37 (hg19) VCF-style: chr12-78400630-A-T.
Other names: c.1312A>T, p.Ser438Cys (NM_014903.6); short protein forms S438C.
Identifiers: ClinVar variation 5008779 (VCV005008779.1).